The following is an entry in ClinVar:

NM_000701.8(ATP1A1):c.934A>T (p.Ile312Phe)

Gene: ATP1A1 (ATPase Na+/K+ transporting subunit alpha 1; plus strand). Cytogenetic location: 1p13.1.
Variant type: single nucleotide variant.
Coding change: c.934A>T on transcript NM_000701.8 (MANE Select); coding-DNA position 934, A replaced by T.
Protein change: p.Ile312Phe; replaces isoleucine 312 with phenylalanine.
Molecular consequence: missense variant.
Genome position (GRCh38, 1-based): chr1:116,389,618, A>T. VCF-style: chr1-116389618-A-T. GRCh37 (hg19) VCF-style: chr1-116932240-A-T.
Other names: c.934A>T, p.Ile312Phe (NM_001160233.2); c.841A>T, p.Ile281Phe (NM_001160234.2); short protein forms I281F, I312F.
Identifiers: ClinVar variation 4881806 (VCV004881806.2).

ClinVar aggregate classification (germline): Uncertain significance (1 of 4 stars; one submission).

Conditions:
Hypomagnesemia, seizures, and impaired intellectual development 2. Also called: Hypomagnesemia, seizures, and intellectual disability 2. Identifiers: MedGen C5193023, MONDO:0020788, OMIM 618314.

Submission:

Dasa
Classification: Uncertain significance for Hypomagnesemia, seizures, and impaired intellectual development 2. Last evaluated: 2025-09-27. Review status: criteria provided, single submitter. Criteria: DASA Assertion Criteria. Collection method: clinical testing. Allele origin: germline.
Comment: NM_000701.8(ATP1A1):c.934A>T (p.Ile312Phe) is a missense variant that results in the substitution of isoleucine with phenylalanine. This variant is absent from population databases. The currently available literature and clinical evidence are not sufficient to establish a definitive association between this variant and the reported condition. Therefore, this variant is classified as a variant of uncertain significance.